The following is an entry in ClinVar:

ClinVar aggregate classification (germline): Uncertain significance. Review status: criteria provided, multiple submitters, no conflicts (2 of 4 stars). 2 submissions from 2 submitters: Uncertain significance (2). Last evaluated 2023-10-20.

Conditions:
Inborn genetic diseases. Identifiers: MedGen C0950123, MeSH D030342.

Submissions (2):

Ambry Genetics
Classification: Uncertain significance for Inborn genetic diseases. Last evaluated: 2023-10-20. Review status: criteria provided, single submitter. Criteria: Ambry Variant Classification Scheme 2023. Collection method: clinical testing. Allele origin: germline.

Labcorp Genetics (formerly Invitae), Labcorp
Classification: Uncertain significance. Last evaluated: 2022-03-18. Review status: criteria provided, single submitter. Criteria: Invitae Variant Classification Sherloc (09022015). Collection method: clinical testing. Allele origin: germline.
Comment: This sequence change replaces glutamine, which is neutral and polar, with histidine, which is basic and polar, at codon 394 of the EIF2AK3 protein (p.Gln394His). This variant is not present in population databases (gnomAD no frequency). This variant has not been reported in the literature in individuals affected with EIF2AK3-related conditions. Algorithms developed to predict the effect of missense changes on protein structure and function are either unavailable or do not agree on the potential impact of this missense change (SIFT: "Tolerated"; PolyPhen-2: "Probably Damaging"; Align-GVGD: "Class C0"). In summary, the available evidence is currently insufficient to determine the role of this variant in disease. Therefore, it has been classified as a Variant of Uncertain Significance.

NM_004836.7(EIF2AK3):c.1182G>C (p.Gln394His)

Gene: EIF2AK3 (eukaryotic translation initiation factor 2 alpha kinase 3; minus strand). Cytogenetic location: 2p11.2.
Variant type: single nucleotide variant.
Coding change: c.1182G>C on transcript NM_004836.7 (MANE Select); coding-DNA position 1182, G replaced by C.
Protein change: p.Gln394His; replaces glutamine 394 with histidine.
Molecular consequence: missense variant.
Genome position (GRCh38, 1-based): chr2:88,588,885, C>G on the plus strand (G>C on the coding strand, the complement: EIF2AK3 is on the minus strand). VCF-style: chr2-88588885-C-G. GRCh37 (hg19) VCF-style: chr2-88888403-C-G.
Other names: c.729G>C, p.Gln243His (NM_001313915.2); c.1182G>C (NM_004836.5); short protein forms Q243H, Q394H.
Identifiers: ClinVar variation 2189515 (VCV002189515.2), dbSNP rs1356957965, ClinGen allele CA347595292.